The following is an entry in ClinVar:

ClinVar aggregate classification (germline): Pathogenic (1 of 4 stars; one submission).

Submission:

Labcorp Genetics (formerly Invitae), Labcorp
Classification: Pathogenic. Last evaluated: 2025-02-10. Review status: criteria provided, single submitter. Criteria: Invitae Variant Classification Sherloc (09022015). Collection method: clinical testing. Allele origin: germline.
Comment: This sequence change creates a premature translational stop signal (p.Val957Glyfs*38) in the TONSL gene. It is expected to result in an absent or disrupted protein product. Loss-of-function variants in TONSL are known to be pathogenic (PMID: 30773277). This variant is not present in population databases (gnomAD no frequency). This variant has not been reported in the literature in individuals affected with TONSL-related conditions. For these reasons, this variant has been classified as Pathogenic.

Literature cited by the submitters: PubMed 30773277.

NM_013432.5(TONSL):c.2870_2871del (p.Val957fs)

Gene: TONSL (tonsoku like, DNA repair protein; minus strand). Cytogenetic location: 8q24.3.
Variant type: Microsatellite.
Coding change: c.2870_2871del on transcript NM_013432.5 (MANE Select); coding-DNA positions 2870 to 2871, 2 bases deleted (TG; older notation c.2870_2871delTG).
Protein change: p.Val957fs; shifts the reading frame from valine 957.
Molecular consequence: frameshift variant.
Genome position (GRCh38, 1-based): chr8:144,435,152-144,435,153, CA deleted on the plus strand (TG on the coding strand, the reverse complement: TONSL is on the minus strand); deleting any 2 consecutive bases within chr8:144,435,152-144,435,155 gives the same sequence; the c. name uses the placement nearest the transcript's 3' end. VCF-style (leftmost placement, unchanged base first): chr8-144435151-CCA-C. GRCh37 (hg19) VCF-style: chr8-145660534-CCA-C.
Other names: short protein forms V957fs.
Identifiers: ClinVar variation 4701007 (VCV004701007.1).
Genomic context (GRCh38, chr8:144,435,151, plus strand): 5'-GCCTGGGCAGCAGCCCGCAGGTCTGGTAGTAGCGCTGGGCCGCCTGCTCGGCCAGCCAGG[CCA>C]CAGAGTGGGTGTCACTGCTGCAGGGACAGAGGCGCTGCTGCTGCTGCCTGCACACAGCCG-3'